The following is an entry in ClinVar:

ClinVar aggregate classification (germline): Conflicting classifications of pathogenicity. Review status: criteria provided, conflicting classifications (1 of 4 stars). 3 submissions from 3 submitters: Likely pathogenic (1); Uncertain significance (1). 1 of the submissions does not count toward it. Last evaluated 2022-08-23.

Conditions:
Immunodeficiency 67. Also called: Immunodeficiency due to interleukin-1 receptor-associated kinase-4 deficiency. Identifiers: Orphanet 70592, MedGen C1843256, MONDO:0011888, OMIM 607676.

Allele frequency attached by ClinVar (database versions not stated): gnomAD exomes 0.00001 and 0.00002; gnomAD 0.00001; ExAC 0.00003; TOPMed 0.00003; ESP Exome Variant Server 0.00008.
gnomAD v4.1: 14 of 1,613,452 alleles (0.00087%); highest among the groups gnomAD compares: African/African-American, 0.004%; no homozygotes.

Submissions (3):

Labcorp Genetics (formerly Invitae), Labcorp
Classification: Uncertain significance for Immunodeficiency 67. Last evaluated: 2022-08-23. Review status: criteria provided, single submitter. Criteria: Invitae Variant Classification Sherloc (09022015). Collection method: clinical testing. Allele origin: germline.
Comment: In summary, the available evidence is currently insufficient to determine the role of this variant in disease. Therefore, it has been classified as a Variant of Uncertain Significance. Experimental studies have shown that this missense change affects IRAK4 function (PMID: 24316379, 33083971). Algorithms developed to predict the effect of missense changes on protein structure and function (SIFT, PolyPhen-2, Align-GVGD) all suggest that this variant is likely to be disruptive. ClinVar contains an entry for this variant (Variation ID: 30609). This missense change has been observed in individual(s) with IRAK-4 deficiency (PMID: 17878374). This variant is present in population databases (rs377584435, gnomAD 0.007%). This sequence change replaces arginine, which is basic and polar, with cysteine, which is neutral and slightly polar, at codon 12 of the IRAK4 protein (p.Arg12Cys).

GeneDx
Classification: Likely pathogenic. Last evaluated: 2017-06-20. Review status: criteria provided, single submitter. Criteria: GeneDx Variant Classification (06012015). Collection method: clinical testing. Allele origin: germline. Affected: yes.
Comment: The R12C variant in the IRAK4 gene has been reported previously in child with recurrent pyogenic bacterial infections who was compound heterozygous for the R12C variant and another variant (Hoarau et al., 2007). Functional studies showed recombinant R12C IRAK4 protein failed to interact with MyD88 protein (Yamamoto et al., 2014). The R12C variant is not observed at a significant frequency in large population cohorts (Lek et al., 2016; 1000 Genomes Consortium et al., 2015; Exome Variant Server). The R12C variant is a non-conservative amino acid substitution, which occurs at a position that is conserved across species. In silico analysis predicts this variant is probably damaging to the protein structure/function. We interpret R12C as a likely pathogenic variant.

OMIM
Classification: Pathogenic for IMMUNODEFICIENCY 67. Last evaluated: 2007-10-01. Review status: no assertion criteria provided. Collection method: literature only. Allele origin: germline. Not counted in ClinVar's aggregate classification.

Literature cited by the submitters: PubMed 24316379 (cited by Labcorp Genetics (formerly Invitae), Labcorp); PubMed 33083971 (cited by Labcorp Genetics (formerly Invitae), Labcorp); PubMed 17878374 (cited by Labcorp Genetics (formerly Invitae), Labcorp and OMIM).

NM_016123.4(IRAK4):c.34C>T (p.Arg12Cys)

Gene: IRAK4 (interleukin 1 receptor associated kinase 4; plus strand). Cytogenetic location: 12q12.
Variant type: single nucleotide variant.
Coding change: c.34C>T on transcript NM_016123.4 (MANE Select); coding-DNA position 34, C replaced by T.
Protein change: p.Arg12Cys; replaces arginine 12 with cysteine.
Molecular consequence: missense variant. On other transcripts: 5 prime UTR variant (8), intron variant (2).
Genome position (GRCh38, 1-based): chr12:43,768,145, C>T. VCF-style: chr12-43768145-C-T. GRCh37 (hg19) VCF-style: chr12-44161948-C-T.
Other names: c.34C>T, p.Arg12Cys (NM_001114182.3, NM_001351345.2); c.-193C>T (NM_001145256.2, NM_001145257.2, NM_001351338.2); c.-406C>T (NM_001351339.2, NM_001351340.2, NM_001351341.2); c.-344C>T (NM_001351343.2, NM_001351344.2); c.-278-2893C>T (NM_001351342.2); c.-65-4035C>T (NM_001145258.2); short protein forms R12C.
Identifiers: ClinVar variation 30609 (VCV000030609.13), dbSNP rs377584435, ClinGen allele CA129367.